The following is an entry in ClinVar:

ClinVar aggregate classification (germline): Uncertain significance (1 of 4 stars; one submission).

gnomAD v4.1: 2 of 1,614,182 alleles (0.00012%); highest among the groups gnomAD compares: Non-Finnish European, 0.00017%; no homozygotes.

Submission:

Quest Diagnostics Nichols Institute San Juan Capistrano
Classification: Uncertain significance. Last evaluated: 2025-05-02. Review status: criteria provided, single submitter. Criteria: Quest Diagnostics criteria. Collection method: clinical testing. Allele origin: unknown.
Comment: The APOB c.416A>T (p.Lys139Met) variant has not been reported in individuals with APOB-related conditions in the published literature. It also has not been reported in large, multi-ethnic general populations (Genome Aggregation Database). Analysis of this variant using bioinformatics tools for the prediction of the effect of amino acid changes on protein structure and function yielded conflicting predictions that this variant is benign or damaging. Based on the available information, we are unable to determine the clinical significance of this variant.

NM_000384.3(APOB):c.416A>T (p.Lys139Met)

Gene: APOB (apolipoprotein B; minus strand). Cytogenetic location: 2p24.1.
Variant type: single nucleotide variant.
Coding change: c.416A>T on transcript NM_000384.3 (MANE Select); coding-DNA position 416, A replaced by T.
Protein change: p.Lys139Met; replaces lysine 139 with methionine.
Molecular consequence: missense variant.
Genome position (GRCh38, 1-based): chr2:21,038,079, T>A on the plus strand (A>T on the coding strand, the complement: APOB is on the minus strand). VCF-style: chr2-21038079-T-A. GRCh37 (hg19) VCF-style: chr2-21260951-T-A.
Other names: short protein forms K139M.
Identifiers: ClinVar variation 4532936 (VCV004532936.1), dbSNP rs890047794.